The following is an entry in ClinVar:

ClinVar aggregate classification (germline): Uncertain significance (1 of 4 stars; one submission).

Allele frequency attached by ClinVar (database versions not stated): gnomAD 0.00003; ExAC 0.00006.
gnomAD v4.1: 28 of 1,550,316 alleles (0.0018%); highest among the groups gnomAD compares: South Asian, 0.024%; no homozygotes.

Submission:

Labcorp Genetics (formerly Invitae), Labcorp
Classification: Uncertain significance. Last evaluated: 2023-09-24. Review status: criteria provided, single submitter. Criteria: Invitae Variant Classification Sherloc (09022015). Collection method: clinical testing. Allele origin: germline.
Comment: This sequence change replaces alanine, which is neutral and non-polar, with valine, which is neutral and non-polar, at codon 2330 of the ZNF469 protein (p.Ala2330Val). This variant is present in population databases (rs776427057, gnomAD 0.02%). This variant has not been reported in the literature in individuals affected with ZNF469-related conditions. Algorithms developed to predict the effect of missense changes on protein structure and function output the following: SIFT: "Not Available"; PolyPhen-2: "Benign"; Align-GVGD: "Not Available". The valine amino acid residue is found in multiple mammalian species, which suggests that this missense change does not adversely affect protein function. In summary, the available evidence is currently insufficient to determine the role of this variant in disease. Therefore, it has been classified as a Variant of Uncertain Significance.

NM_001367624.2(ZNF469):c.7073C>T (p.Ala2358Val)

Gene: ZNF469 (zinc finger protein 469; plus strand). Cytogenetic location: 16q24.2.
Variant type: single nucleotide variant.
Coding change: c.7073C>T on transcript NM_001367624.2 (MANE Select); coding-DNA position 7073, C replaced by T.
Protein change: p.Ala2358Val; replaces alanine 2358 with valine.
Molecular consequence: missense variant.
Genome position (GRCh38, 1-based): chr16:88,434,543, C>T. VCF-style: chr16-88434543-C-T. GRCh37 (hg19) VCF-style: chr16-88500951-C-T.
Other names: short protein forms A2358V.
Identifiers: ClinVar variation 2712174 (VCV002712174.1), dbSNP rs776427057, ClinGen allele CA8225211.